The following is an entry in ClinVar:

ClinVar aggregate classification (germline): Uncertain significance (1 of 4 stars; one submission).

Conditions:
Epilepsy. Also called: Seizure disorder. Identifiers: MedGen C0014544, MeSH D004827, MONDO:0005027.

Allele frequency attached by ClinVar (database versions not stated): gnomAD 0.00001; TOPMed 0.00002.

Submission:

Labcorp Genetics (formerly Invitae), Labcorp
Classification: Uncertain significance for Epilepsy. Last evaluated: 2022-10-17. Review status: criteria provided, single submitter. Criteria: Invitae Variant Classification Sherloc (09022015). Collection method: clinical testing. Allele origin: germline.
Comment: In summary, the available evidence is currently insufficient to determine the role of this variant in disease. Therefore, it has been classified as a Variant of Uncertain Significance. Algorithms developed to predict the effect of missense changes on protein structure and function (SIFT, PolyPhen-2, Align-GVGD) all suggest that this variant is likely to be tolerated. ClinVar contains an entry for this variant (Variation ID: 1431318). This variant has not been reported in the literature in individuals affected with PIGQ-related conditions. This variant is not present in population databases (gnomAD no frequency). This sequence change replaces leucine, which is neutral and non-polar, with valine, which is neutral and non-polar, at codon 283 of the PIGQ protein (p.Leu283Val).

NM_004204.5(PIGQ):c.847C>G (p.Leu283Val)

Gene: PIGQ (phosphatidylinositol glycan anchor biosynthesis class Q; plus strand). Cytogenetic location: 16p13.3.
Variant type: single nucleotide variant.
Coding change: c.847C>G on transcript NM_004204.5 (MANE Select); coding-DNA position 847, C replaced by G.
Protein change: p.Leu283Val; replaces leucine 283 with valine.
Molecular consequence: missense variant.
Genome position (GRCh38, 1-based): chr16:576,159, C>G. VCF-style: chr16-576159-C-G. GRCh37 (hg19) VCF-style: chr16-626159-C-G.
Other names: c.847C>G, p.Leu283Val (NM_148920.4); short protein forms L283V.
Identifiers: ClinVar variation 1431318 (VCV001431318.8), dbSNP rs1475166338, ClinGen allele CA394052458.